The following is an entry in ClinVar:

ClinVar aggregate classification (germline): Uncertain significance (1 of 4 stars; one submission).

Conditions:
Arrhythmogenic right ventricular dysplasia 9 (ARVD9). Also called: Arrhythmogenic Right Ventricular Dysplasia/Cardiomyopathy 9; ARRHYTHMOGENIC RIGHT VENTRICULAR DYSPLASIA, FAMILIAL, 9. Identifiers: MedGen C1836906, MONDO:0012180, OMIM 609040.

Submission:

Labcorp Genetics (formerly Invitae), Labcorp
Classification: Uncertain significance for Arrhythmogenic right ventricular dysplasia 9. Last evaluated: 2025-10-31. Review status: criteria provided, single submitter. Criteria: Invitae Variant Classification Sherloc (09022015). Collection method: clinical testing. Allele origin: germline.
Comment: This variant, c.926_928dup, results in the insertion of 1 amino acid(s) of the PKP2 protein (p.Ala309dup), but otherwise preserves the integrity of the reading frame. This variant is not present in population databases (gnomAD no frequency). This variant has not been reported in the literature in individuals affected with PKP2-related conditions. ClinVar contains an entry for this variant (Variation ID: 222767). Experimental studies and prediction algorithms are not available or were not evaluated, and the functional significance of this variant is currently unknown. In summary, the available evidence is currently insufficient to determine the role of this variant in disease. Therefore, it has been classified as a Variant of Uncertain Significance.

NM_001005242.3(PKP2):c.926_928dup (p.Ala309dup)

Gene: PKP2 (plakophilin 2; minus strand). Cytogenetic location: 12p11.21.
Variant type: Duplication.
Coding change: c.926_928dup on transcript NM_001005242.3 (MANE Select); coding-DNA positions 926 to 928, 3 bases duplicated (CCG; older notation c.926_928dupCCG).
Protein change: p.Ala309dup; duplicates alanine 309.
Molecular consequence: inframe insertion.
Genome position (GRCh38, 1-based): chr12:32,877,952-32,877,954, CGG duplicated on the plus strand (CCG on the coding strand, the reverse complement: PKP2 is on the minus strand); duplicating any 3 consecutive bases within chr12:32,877,952-32,877,956 gives the same sequence; the c. name uses the placement nearest the transcript's 3' end. VCF-style (leftmost placement, unchanged base first): chr12-32877951-A-ACGG. GRCh37 (hg19) VCF-style: chr12-33030885-A-ACGG.
Other names: c.926_928dup, p.Ala309dup (NM_004572.4).
Identifiers: ClinVar variation 222767 (VCV000222767.4), dbSNP rs869025497, ClinGen allele CA354850.